The following is an entry in ClinVar:

ClinVar aggregate classification (germline): Conflicting classifications of pathogenicity. Review status: criteria provided, conflicting classifications (1 of 4 stars). 2 submissions from 2 submitters: Uncertain significance (1); Likely benign (1). Last evaluated 2025-05-15.

Conditions:
Hereditary cancer-predisposing syndrome. Also called: Neoplastic Syndromes, Hereditary; Tumor predisposition; Hereditary Cancer Syndrome; Hereditary neoplastic syndrome. Identifiers: Orphanet 140162, MedGen C0027672, MeSH D009386, MONDO:0015356.
Hereditary breast ovarian cancer syndrome. Also called: Hereditary breast and/or ovarian cancer syndrome; Hereditary breast and ovarian cancer syndrome; Breast and ovarian cancer; Hereditary breast and ovarian cancer; BRCA1- and BRCA2-Associated Hereditary Breast and Ovarian Cancer; Hereditary breast and ovarian cancer syndrome (HBOC). Identifiers: Orphanet 145, MedGen C0677776, MeSH D061325, MONDO:0003582. Disease mechanism: loss of function.

Submissions (2):

Ambry Genetics
Classification: Likely benign for Hereditary cancer-predisposing syndrome. Last evaluated: 2025-05-15. Review status: criteria provided, single submitter. Criteria: Ambry Variant Classification Scheme 2023. Collection method: clinical testing. Allele origin: germline.

Labcorp Genetics (formerly Invitae), Labcorp
Classification: Uncertain significance for Hereditary breast ovarian cancer syndrome. Last evaluated: 2023-12-09. Review status: criteria provided, single submitter. Criteria: Invitae Variant Classification Sherloc (09022015). Collection method: clinical testing. Allele origin: germline.
Comment: This sequence change replaces alanine, which is neutral and non-polar, with threonine, which is neutral and polar, at codon 2671 of the BRCA2 protein (p.Ala2671Thr). This variant is not present in population databases (gnomAD no frequency). This variant has not been reported in the literature in individuals affected with BRCA2-related conditions. ClinVar contains an entry for this variant (Variation ID: 1761657). Advanced modeling of protein sequence and biophysical properties (such as structural, functional, and spatial information, amino acid conservation, physicochemical variation, residue mobility, and thermodynamic stability) performed at Invitae indicates that this missense variant is not expected to disrupt BRCA2 protein function with a negative predictive value of 95%. In summary, the available evidence is currently insufficient to determine the role of this variant in disease. Therefore, it has been classified as a Variant of Uncertain Significance.

Literature cited by the submitters: PubMed 30287823 (cited by Ambry Genetics); PubMed 31214711 (cited by Ambry Genetics); PubMed 37731132 (cited by Ambry Genetics).

NM_000059.4(BRCA2):c.8011G>A (p.Ala2671Thr)

Gene: BRCA2 (BRCA2 DNA repair associated; plus strand). Cytogenetic location: 13q13.1.
Variant type: single nucleotide variant.
Coding change: c.8011G>A on transcript NM_000059.4 (MANE Select); coding-DNA position 8011, G replaced by A.
Protein change: p.Ala2671Thr; replaces alanine 2671 with threonine.
Molecular consequence: missense variant.
Genome position (GRCh38, 1-based): chr13:32,363,213, G>A. VCF-style: chr13-32363213-G-A. GRCh37 (hg19) VCF-style: chr13-32937350-G-A.
Other names: c.7915G>A, p.Ala2639Thr (NM_001406719.1); c.8011G>A, p.Ala2671Thr (NM_001406720.1); c.3079G>A, p.Ala1027Thr (NM_001406721.1); c.1594G>A, p.Ala532Thr (NM_001406722.1); short protein forms A532T, A2639T, A2671T, A1027T.
Identifiers: ClinVar variation 1761657 (VCV001761657.7), dbSNP rs786201976, ClinGen allele CA387748752.